The following is an entry in ClinVar:

NM_007262.5(PARK7):c.-99T>C

Gene: PARK7 (Parkinsonism associated deglycase; plus strand). Cytogenetic location: 1p36.23.
Variant type: single nucleotide variant.
Coding change: c.-99T>C on transcript NM_007262.5 (MANE Select); 99 bases upstream of the start codon, T replaced by C.
Molecular consequence: 5 prime UTR variant.
Genome position (GRCh38, 1-based): chr1:7,961,718, T>C. VCF-style: chr1-7961718-T-C. GRCh37 (hg19) VCF-style: chr1-8021778-T-C.
Other names: c.-41T>C (NM_001123377.2).
Identifiers: ClinVar variation 298113 (VCV000298113.6), dbSNP rs226249, ClinGen allele CA10611660.

ClinVar aggregate classification (germline): Benign. Review status: criteria provided, multiple submitters, no conflicts (2 of 4 stars). 2 submissions from 2 submitters: Benign (2). Last evaluated 2018-01-12.

Conditions:
Autosomal recessive early-onset Parkinson disease 7. Identifiers: Orphanet 2828, MedGen C1853445, MONDO:0011658, OMIM 606324.

Allele frequency attached by ClinVar (database versions not stated): gnomAD exomes 0.53088; 1000 Genomes Project 0.63738; TOPMed 0.67706; 1000 Genomes Project 30x 0.64163; gnomAD 0.66453.
gnomAD v4.1: 100,611 of 153,016 alleles (66%); highest among the groups gnomAD compares: African/African-American, 84%; 34,311 homozygotes.

Submissions (2):

Illumina Laboratory Services, Illumina
Classification: Benign for Autosomal recessive early-onset Parkinson disease 7. Last evaluated: 2018-01-12. Review status: criteria provided, single submitter. Criteria: ICSL Variant Classification Criteria 13 December 2019. Collection method: clinical testing. Allele origin: germline.
Comment: This variant was observed in the ICSL laboratory as part of a predisposition screen in an ostensibly healthy population. It had not been previously curated by ICSL or reported in the Human Gene Mutation Database (HGMD: prior to June 1st, 2018), and was therefore a candidate for classification through an automated scoring system. Utilizing variant allele frequency, disease prevalence and penetrance estimates, and inheritance mode, an automated score was calculated to assess if this variant is too frequent to cause the disease. Based on the score and internal cut-off values, a variant classified as benign is not then subjected to further curation. The score for this variant resulted in a classification of benign for this disease.

Breakthrough Genomics
Classification: Benign. Review status: criteria provided, single submitter. Criteria: ACMG Guidelines, 2015. Collection method: not provided. Allele origin: germline. Inheritance: Autosomal recessive inheritance. Affected: yes.